The following is an entry in ClinVar:

NM_001267550.2(TTN):c.106955G>A (p.Arg35652Gln)

Genes: TTN (titin; minus strand), TTN-AS1 (TTN antisense RNA 1; plus strand). Cytogenetic location: 2q31.2.
Variant type: single nucleotide variant.
Coding change: c.106955G>A on transcript NM_001267550.2 (MANE Select); coding-DNA position 106955, G replaced by A.
Protein change: p.Arg35652Gln; replaces arginine 35652 with glutamine.
Molecular consequence: missense variant.
Genome position (GRCh38, 1-based): chr2:178,528,796, C>T on the plus strand (G>A on the coding strand, the complement: TTN is on the minus strand). VCF-style: chr2-178528796-C-T. GRCh37 (hg19) VCF-style: chr2-179393523-C-T.
Other names: p.R33084Q:CGA>CAA; p.Arg34011Gln; c.102032G>A, p.Arg34011Gln (NM_001256850.1); c.79760G>A, p.Arg26587Gln (NM_003319.4); c.99251G>A, p.Arg33084Gln (NM_133378.4); c.80135G>A, p.Arg26712Gln (NM_133432.3); c.80336G>A, p.Arg26779Gln (NM_133437.4); short protein forms R35652Q, R33084Q, R34011Q, R26587Q, R26779Q, R26712Q.
Identifiers: ClinVar variation 47717 (VCV000047717.59), dbSNP rs200497615, ClinGen allele CA141765.

ClinVar aggregate classification (germline): Conflicting classifications of pathogenicity. Review status: criteria provided, conflicting classifications (1 of 4 stars). 22 submissions from 18 submitters: Uncertain significance (11); Benign (2); Likely benign (6). 3 of the submissions do not count toward it. Last evaluated 2026-09-21.

Conditions:
TTN-related disorder. Also called: TTN-related condition; TTN-related disease; TTN-related disorders.
Cardiovascular phenotype. Identifiers: MedGen CN230736.
Dilated cardiomyopathy 1G (CMD1G). Identifiers: Orphanet 154, MedGen C1858763, MONDO:0011400, OMIM 604145.
Autosomal recessive limb-girdle muscular dystrophy type 2J (LGMDR10). Also called: Limb-girdle muscular dystrophy, type 2J; MUSCULAR DYSTROPHY, LIMB-GIRDLE, AUTOSOMAL RECESSIVE 10. Identifiers: Orphanet 140922, MedGen C1837342, MONDO:0012127, OMIM 608807.
Cardiomyopathy (CMYO). Also called: Cardiomyopathies. Identifiers: Orphanet 167848, MedGen C0878544, MONDO:0004994, HP:0001638. Inheritance: Various modes of inheritance.
Early-onset myopathy with fatal cardiomyopathy (CMYO5). Also called: Salih Myopathy; CONGENITAL MYOPATHY 5 WITH CARDIOMYOPATHY. Identifiers: Orphanet 289377, MedGen C2673677, MONDO:0012714, OMIM 611705. Disease mechanism: loss of function.
Myopathy, myofibrillar, 9, with early respiratory failure (MFM9). Also called: Hereditary myopathy with early respiratory failure; Myopathy, distal, with early respiratory failure, autosomal dominant; EDSTROM MYOPATHY; MYOPATHY, PROXIMAL, WITH EARLY RESPIRATORY MUSCLE INVOLVEMENT. Identifiers: Orphanet 178464, Orphanet 34521, MedGen C1863599, MONDO:0011362, OMIM 603689.
Tibial muscular dystrophy (TMD). Also called: Udd Distal Myopathy – Tibial Muscular Dystrophy; Tibial muscular dystrophy, tardive; UDD MYOPATHY. Identifiers: Orphanet 609, MedGen C1838244, MONDO:0010870, OMIM 600334.

Allele frequency attached by ClinVar (database versions not stated): TOPMed 0.00015; gnomAD 0.00016 and 0.00017; gnomAD exomes 0.00016 and 0.00043; ExAC 0.00018; ESP Exome Variant Server 0.00048.
gnomAD v4.1: 641 of 1,613,052 alleles (0.04%); highest among the groups gnomAD compares: Non-Finnish European, 0.05%; 2 homozygotes.

Submissions (22):

Molecular Diagnostic Laboratory for Inherited Cardiovascular Disease, Montreal Heart Institute
Classification: Likely benign. Last evaluated: 2026-09-21. Review status: criteria provided, single submitter. Criteria: ACMG Guidelines, 2015. Collection method: clinical testing. Allele origin: germline. Affected: no.

PreventionGenetics, part of Exact Sciences
Classification: Likely benign for TTN-related condition. Last evaluated: 2025-10-08. Review status: criteria provided, single submitter. Criteria: ACMG Guidelines, 2015. Collection method: clinical testing. Allele origin: germline.
Comment: This variant is classified as likely benign based on ACMG/AMP sequence variant interpretation guidelines (Richards et al. 2015 PMID: 25741868, with internal and published modifications).

Blueprint Genetics
Classification: Likely benign. Last evaluated: 2024-06-25. Review status: criteria provided, single submitter. Criteria: ACMG Guidelines, 2015. Collection method: clinical testing. Allele origin: germline.

CeGaT Center for Human Genetics Tuebingen
Classification: Uncertain significance. Last evaluated: 2024-02-01. Review status: criteria provided, single submitter. Criteria: CeGaT Center For Human Genetics Tuebingen Variant Classification Criteria Version 2. Collection method: clinical testing. Allele origin: germline. Affected: yes. Observed: 1 variant allele.
Comment: TTN: PM2, BP4

Mayo Clinic Laboratories, Mayo Clinic
Classification: Uncertain significance. Last evaluated: 2023-04-26. Review status: criteria provided, single submitter. Criteria: ACMG Guidelines, 2015. Collection method: clinical testing. Allele origin: germline. Observed: 3 variant alleles.
Comment: BP4

Revvity Omics, Revvity
Classification: Uncertain significance. Last evaluated: 2022-09-13. Review status: criteria provided, single submitter. Criteria: ACMG Guidelines, 2015. Collection method: clinical testing. Allele origin: germline.

CHEO Genetics Diagnostic Laboratory, Children's Hospital of Eastern Ontario
Classification: Likely benign for Cardiomyopathy. Last evaluated: 2022-03-11. Review status: criteria provided, single submitter. Criteria: ACMG Guidelines, 2015. Collection method: clinical testing. Allele origin: germline.

ARUP Laboratories, Molecular Genetics and Genomics, ARUP Laboratories
Classification: Uncertain significance. Last evaluated: 2020-07-21. Review status: criteria provided, single submitter. Criteria: ARUP Molecular Germline Variant Investigation Process. Collection method: clinical testing. Allele origin: germline.
Comment: The TTN c.106955G>A; p.Arg35652Gln variant (rs200497615; ClinVar Variation ID: 47717) is rare in the general population (<1% allele frequency in the Genome Aggregation Database) and has not been reported in the medical literature in association with dilated cardiomyopathy (DCM) or other TTN-related disease. The clinical relevance of rare missense variants in this gene, which are identified on average once per individual sequenced in affected populations (Herman 2012), is not well understood. Yet, evidence suggests that the vast majority of such missense variants do not contribute to the clinical outcome of DCM (Begay 2015). Thus, the clinical significance of the p.Arg35652Gln variant cannot be determined with certainty.

Ambry Genetics
Classification: Likely benign for Cardiovascular phenotype. Last evaluated: 2020-03-18. Review status: criteria provided, single submitter. Criteria: Ambry Variant Classification Scheme 2023. Collection method: clinical testing. Allele origin: germline.

Athena Diagnostics
Classification: Uncertain significance. Last evaluated: 2019-06-13. Review status: criteria provided, single submitter. Criteria: Athena Diagnostics Criteria. Collection method: clinical testing. Allele origin: germline.

GeneDx
Classification: Likely benign. Last evaluated: 2019-04-05. Review status: criteria provided, single submitter. Criteria: GeneDx Variant Classification Process June 2021. Collection method: clinical testing. Allele origin: germline. Affected: yes.
Comment: This variant is associated with the following publications: (PMID: 30615648)

Illumina Laboratory Services, Illumina
Classification: Uncertain significance for Early-onset myopathy with fatal cardiomyopathy. Last evaluated: 2018-01-12. Review status: criteria provided, single submitter. Criteria: ICSL Variant Classification Criteria 13 December 2019. Collection method: clinical testing. Allele origin: germline.

Illumina Laboratory Services, Illumina
Classification: Benign for Tibial muscular dystrophy. Last evaluated: 2018-01-12. Review status: criteria provided, single submitter. Criteria: ICSL Variant Classification Criteria 13 December 2019. Collection method: clinical testing. Allele origin: germline.
Comment: This variant was observed in the ICSL laboratory as part of a predisposition screen in an ostensibly healthy population. It had not been previously curated by ICSL or reported in the Human Gene Mutation Database (HGMD: prior to June 1st, 2018), and was therefore a candidate for classification through an automated scoring system. Utilizing variant allele frequency, disease prevalence and penetrance estimates, and inheritance mode, an automated score was calculated to assess if this variant is too frequent to cause the disease. Based on the score and internal cut-off values, a variant classified as benign is not then subjected to further curation. The score for this variant resulted in a classification of benign for this disease.

Illumina Laboratory Services, Illumina
Classification: Uncertain significance for Autosomal recessive limb-girdle muscular dystrophy type 2J. Last evaluated: 2018-01-12. Review status: criteria provided, single submitter. Criteria: ICSL Variant Classification Criteria 13 December 2019. Collection method: clinical testing. Allele origin: germline.

Illumina Laboratory Services, Illumina
Classification: Uncertain significance for Dilated cardiomyopathy 1G. Last evaluated: 2018-01-12. Review status: criteria provided, single submitter. Criteria: ICSL Variant Classification Criteria 13 December 2019. Collection method: clinical testing. Allele origin: germline.

Illumina Laboratory Services, Illumina
Classification: Benign for Myopathy, myofibrillar, 9, with early respiratory failure. Last evaluated: 2018-01-12. Review status: criteria provided, single submitter. Criteria: ICSL Variant Classification Criteria 13 December 2019. Collection method: clinical testing. Allele origin: germline.
Comment: the same text as in the submission from Illumina Laboratory Services, Illumina above.

Labcorp Genetics (formerly Invitae), Labcorp
Classification: Uncertain significance for Dilated cardiomyopathy 1G; Autosomal recessive limb-girdle muscular dystrophy type 2J. Last evaluated: 2017-06-06. Review status: criteria provided, single submitter. Criteria: Invitae Variant Classification Sherloc (09022015). Collection method: clinical testing. Allele origin: germline.

Eurofins Ntd Llc (ga)
Classification: Uncertain significance. Last evaluated: 2016-10-17. Review status: criteria provided, single submitter. Criteria: EGL Classification Definitions 2015. Collection method: clinical testing. Allele origin: germline. Observed: 3 variant alleles, 3 heterozygotes.

Laboratory for Molecular Medicine, Mass General Brigham Personalized Medicine
Classification: Uncertain significance. Last evaluated: 2012-03-09. Review status: criteria provided, single submitter. Criteria: LMM Criteria. Collection method: clinical testing. Allele origin: germline. Observed: 1 variant allele.
Comment: The Arg33084Gln variant (TTN) has been identified in 4/6812 European American ch romosomes from broad population by the NHLBI Exome Sequencing Project (s.). Arginine (Arg) at position 33084 is highly conserved i n mammals and in evolutionarily distant species, though computational analyses ( biochemical amino acid properties, conservation, AlignGVGD, and SIFT) do not pro vide strong support for or against an impact to the protein. Additional informa tion is needed to fully assess the clinical significance of this variant.

Clinical Genetics DNA and cytogenetics Diagnostics Lab, Erasmus MC, Erasmus Medical Center
Classification: Uncertain significance. Review status: no assertion criteria provided. Collection method: clinical testing. Allele origin: germline. Affected: yes. Study: VKGL Data-share Consensus. Not counted in ClinVar's aggregate classification.

Diagnostic Laboratory, Department of Genetics, University Medical Center Groningen
Classification: Uncertain significance. Review status: no assertion criteria provided. Collection method: clinical testing. Allele origin: germline. Affected: yes. Study: VKGL Data-share Consensus. Not counted in ClinVar's aggregate classification.

Joint Genome Diagnostic Labs from Nijmegen and Maastricht, Radboudumc and MUMC+
Classification: Uncertain significance. Review status: no assertion criteria provided. Collection method: clinical testing. Allele origin: germline. Affected: yes. Study: VKGL Data-share Consensus. Not counted in ClinVar's aggregate classification.